The following is an entry in ClinVar:

ClinVar aggregate classification (germline): Pathogenic/Likely pathogenic. Review status: criteria provided, multiple submitters, no conflicts (2 of 4 stars). 2 submissions from 2 submitters: Pathogenic (1); Likely pathogenic (1). Last evaluated 2025-10-01.

Conditions:
Werner syndrome (WRN). Identifiers: Orphanet 902, MedGen C0043119, MONDO:0010196, OMIM 277700.

Submissions (2):

Labcorp Genetics (formerly Invitae), Labcorp
Classification: Pathogenic for Werner syndrome. Last evaluated: 2025-10-01. Review status: criteria provided, single submitter. Criteria: Invitae Variant Classification Sherloc (09022015). Collection method: clinical testing. Allele origin: germline.
Comment: This sequence change creates a premature translational stop signal (p.Gln835Lysfs*41) in the WRN gene. It is expected to result in an absent or disrupted protein product. Loss-of-function variants in WRN are known to be pathogenic (PMID: 16673358). This variant is present in population databases (rs748484883, gnomAD 0.004%). This variant has not been reported in the literature in individuals affected with WRN-related conditions. ClinVar contains an entry for this variant (Variation ID: 651657). RNA analysis performed to evaluate the impact of this premature translational stop signal on mRNA splicing indicates it does not significantly alter splicing (internal data). For these reasons, this variant has been classified as Pathogenic.

Baylor Genetics
Classification: Likely pathogenic for Werner syndrome. Last evaluated: 2023-06-26. Review status: criteria provided, single submitter. Criteria: ACMG Guidelines, 2015. Collection method: clinical testing. Allele origin: unknown.

Literature cited by the submitters: PubMed 16673358 (cited by Labcorp Genetics (formerly Invitae), Labcorp).

NM_000553.6(WRN):c.2503del (p.Gln835fs)

Gene: WRN (WRN RecQ like helicase; plus strand). Cytogenetic location: 8p12.
Variant type: Deletion.
Coding change: c.2503del on transcript NM_000553.6 (MANE Select); coding-DNA position 2503, one base deleted (C; older notation c.2503delC).
Protein change: p.Gln835fs; shifts the reading frame from glutamine 835.
Molecular consequence: frameshift variant.
Genome position (GRCh38, 1-based): chr8:31,120,297, C deleted; the last of 2 consecutive C bases (chr8:31,120,296-31,120,297); deleting either gives the same sequence. VCF-style (leftmost placement, unchanged base first): chr8-31120295-GC-G. GRCh37 (hg19) VCF-style: chr8-30977811-GC-G.
Other names: short protein forms Q835fs.
Identifiers: ClinVar variation 651657 (VCV000651657.6), dbSNP rs748484883, ClinGen allele CA4704766.